The following is an entry in ClinVar:

NM_001386795.1(DTNA):c.1764C>T (p.Pro588=)

Gene: DTNA (dystrobrevin alpha; plus strand). Cytogenetic location: 18q12.1.
Variant type: single nucleotide variant.
Coding change: c.1764C>T on transcript NM_001386795.1 (MANE Select); coding-DNA position 1764, C replaced by T.
Protein change: p.Pro588=; no amino-acid change (proline 588 retained).
Molecular consequence: synonymous variant.
Genome position (GRCh38, 1-based): chr18:34,875,259, C>T. VCF-style: chr18-34875259-C-T. GRCh37 (hg19) VCF-style: chr18-32455223-C-T.
Other names: c.1503C>T, p.Pro501= (NM_001198938.2, NM_001198940.2, NM_001386753.1 and 5 more transcripts); c.1524C>T, p.Pro508= (NM_001198939.2); c.810C>T, p.Pro270= (NM_001198942.1); c.753C>T, p.Pro251= (NM_001198943.1); c.639C>T, p.Pro213= (NM_001198944.1); c.1593C>T, p.Pro531= (NM_001386754.1, NM_001386755.1, NM_001386756.1 and 3 more transcripts); c.1590C>T, p.Pro530= (NM_001386760.1); c.1512C>T, p.Pro504= (NM_001386761.1, NM_032975.4); and 5 more.
Identifiers: ClinVar variation 381087 (VCV000381087.3), dbSNP rs151158035, ClinGen allele CA8935843.
Genomic context (GRCh38, chr18:34,875,259, plus strand): 5'-TCTTGGGAAAGCAAATTAATGACCTGCATTGTCTCTCCAGACTCAGGGGGCAGGCTCTCC[C>T]CGCTCCTCCCCCAGCCACACCATCAGCAGGCCAATTCCCATGCCCATCCGGTCAGCGTCA-3'
Protein context (NP_001373724.1, residues 578-598): KLLKTQGAGS[Pro588=]RSSPSHTISR

ClinVar aggregate classification (germline): Likely benign. Review status: criteria provided, multiple submitters, no conflicts (2 of 4 stars). 2 submissions from 2 submitters: Likely benign (2). Last evaluated 2024-11-10.

Conditions:
Left ventricular noncompaction 1 (LVNC1). Also called: LEFT VENTRICULAR NONCOMPACTION 1 WITH OR WITHOUT CONGENITAL HEART DEFECTS. Identifiers: Orphanet 54260, MedGen C1858725, MONDO:0011403, OMIM 604169.

Allele frequency attached by ClinVar (database versions not stated): ExAC 0.00001; ESP Exome Variant Server 0.00008.

Submissions (2):

Labcorp Genetics (formerly Invitae), Labcorp
Classification: Likely benign for Left ventricular noncompaction 1. Last evaluated: 2024-11-10. Review status: criteria provided, single submitter. Criteria: Invitae Variant Classification Sherloc (09022015). Collection method: clinical testing. Allele origin: germline.

GeneDx
Classification: Likely benign. Last evaluated: 2015-11-03. Review status: criteria provided, single submitter. Criteria: GeneDx Variant Classification (06012015). Collection method: clinical testing. Allele origin: germline. Affected: yes.
Comment: This variant is considered likely benign or benign based on one or more of the following criteria: it is a conservative change, it occurs at a poorly conserved position in the protein, it is predicted to be benign by multiple in silico algorithms, and/or has population frequency not consistent with disease.